The following is an entry in ClinVar:

ClinVar aggregate classification (germline): Likely pathogenic (1 of 4 stars; one submission).

Conditions:
Cockayne syndrome type 2 (CSB). Also called: COCKAYNE SYNDROME B; Cockayne Syndrome, Type II. Identifiers: Orphanet 191, Orphanet 90322, MedGen C0751038, MONDO:0019570, OMIM 133540.

Submission:

3billion
Classification: Likely pathogenic for Cockayne syndrome type 2. Last evaluated: 2025-02-18. Review status: criteria provided, single submitter. Criteria: ACMG Guidelines, 2015. Collection method: clinical testing. Allele origin: germline. Affected: yes.
Comment: The variant is not observed in the gnomAD v4.1.0 dataset. Predicted Consequence/Location: Frameshift: predicted to result in a loss or disruption of normal protein function through nonsense-mediated decay (NMD) or protein truncation. Multiple pathogenic variants are reported downstream of the variant. Therefore, this variant is classified as Likely pathogenic according to the recommendation of ACMG/AMP guideline.

NM_000124.4(ERCC6):c.2874dup (p.Val959fs)

Genes: ERCC6 (ERCC excision repair 6, chromatin remodeling factor; minus strand), LOC126860933 (BRD4-independent group 4 enhancer GRCh37_chr10:50679962-50681161; plus strand). Cytogenetic location: 10q11.23.
Variant type: Duplication.
Coding change: c.2874dup on transcript NM_000124.4 (MANE Select); coding-DNA position 2874, one base duplicated (T; older notation c.2874dupT).
Protein change: p.Val959fs; shifts the reading frame from valine 959.
Molecular consequence: frameshift variant.
Genome position (GRCh38, 1-based): chr10:49,472,426, A duplicated on the plus strand (T on the coding strand, the reverse complement: ERCC6 is on the minus strand). VCF-style (leftmost placement, unchanged base first): chr10-49472425-C-CA. GRCh37 (hg19) VCF-style: chr10-50680471-C-CA.
Other names: c.2874dup, p.Val959fs (NM_001346440.2); short protein forms V959fs.
Identifiers: ClinVar variation 4292956 (VCV004292956.1).